The following is an entry in ClinVar:

ClinVar aggregate classification (germline): Uncertain significance. Review status: criteria provided, multiple submitters, no conflicts (2 of 4 stars). 5 submissions from 5 submitters: Uncertain significance (5). Last evaluated 2025-09-20.

Conditions:
Juvenile polyposis syndrome (JPS). Identifiers: Orphanet 2929, MedGen C0345893, MONDO:0017380, OMIM 174900.
Hereditary cancer-predisposing syndrome. Also called: Hereditary Cancer Syndrome; Tumor predisposition; Neoplastic Syndromes, Hereditary; Hereditary neoplastic syndrome. Identifiers: Orphanet 140162, MedGen C0027672, MeSH D009386, MONDO:0015356.
Polyposis syndrome, hereditary mixed, 2. Identifiers: Orphanet 157794, MedGen C1864730, MONDO:0012405, OMIM 610069.

Allele frequency attached by ClinVar (database versions not stated): gnomAD exomes below 0.00001; ExAC 0.00001; gnomAD 0.00001; TOPMed 0.00001.
gnomAD v4.1: 2 of 1,613,772 alleles (0.00012%); highest among the groups gnomAD compares: African/African-American, 0.0027%; no homozygotes.

Submissions (5):

Labcorp Genetics (formerly Invitae), Labcorp
Classification: Uncertain significance for Juvenile polyposis syndrome. Last evaluated: 2025-09-20. Review status: criteria provided, single submitter. Criteria: Invitae Variant Classification Sherloc (09022015). Collection method: clinical testing. Allele origin: germline.
Comment: This sequence change replaces arginine, which is basic and polar, with glycine, which is neutral and non-polar, at codon 244 of the BMPR1A protein (p.Arg244Gly). This variant is present in population databases (rs759363072, gnomAD 0.007%). This variant has not been reported in the literature in individuals affected with BMPR1A-related conditions. ClinVar contains an entry for this variant (Variation ID: 648038). Invitae Evidence Modeling of protein sequence and biophysical properties (such as structural, functional, and spatial information, amino acid conservation, physicochemical variation, residue mobility, and thermodynamic stability) has been performed for this missense variant. However, the output from this modeling did not meet the statistical confidence thresholds required to predict the impact of this variant on BMPR1A protein function. In summary, the available evidence is currently insufficient to determine the role of this variant in disease. Therefore, it has been classified as a Variant of Uncertain Significance.

Ambry Genetics
Classification: Uncertain significance for Hereditary cancer-predisposing syndrome. Last evaluated: 2025-06-14. Review status: criteria provided, single submitter. Criteria: Ambry Variant Classification Scheme 2023. Collection method: clinical testing. Allele origin: germline.
Comment: The p.R244G variant (also known as c.730C>G), located in coding exon 7 of the BMPR1A gene, results from a C to G substitution at nucleotide position 730. The arginine at codon 244 is replaced by glycine, an amino acid with dissimilar properties. This amino acid position is highly conserved in available vertebrate species. In addition, this alteration is predicted to be deleterious by in silico analysis. Since supporting evidence is limited at this time, the clinical significance of this alteration remains unclear.

Color Diagnostics, LLC DBA Color Health
Classification: Uncertain significance for Hereditary cancer-predisposing syndrome. Last evaluated: 2024-06-14. Review status: criteria provided, single submitter. Criteria: ACMG Guidelines, 2015. Collection method: clinical testing. Allele origin: germline.
Comment: This missense variant replaces arginine with glycine at codon 244 of the BMPR1A protein. Computational prediction suggests that this variant may have deleterious impact on protein structure and function. To our knowledge, functional studies have not been reported for this variant. This variant has not been reported in individuals affected with BMPR1A-related disorders in the literature. This variant has been identified in 1/251394 chromosomes in the general population by the Genome Aggregation Database (gnomAD). The available evidence is insufficient to determine the role of this variant in disease conclusively. Therefore, this variant is classified as a Variant of Uncertain Significance.

Baylor Genetics
Classification: Uncertain significance for Polyposis syndrome, hereditary mixed, 2. Last evaluated: 2024-03-26. Review status: criteria provided, single submitter. Criteria: ACMG Guidelines, 2015. Collection method: clinical testing. Allele origin: unknown.

GeneDx
Classification: Uncertain significance. Last evaluated: 2019-10-01. Review status: criteria provided, single submitter. Criteria: GeneDx Variant Classification Process June 2021. Collection method: clinical testing. Allele origin: germline. Affected: yes.
Comment: Not observed at a significant frequency in large population cohorts (Lek 2016); In silico analysis, which includes protein predictors and evolutionary conservation, supports a deleterious effect; Has not been previously published as pathogenic or benign to our knowledge

NM_004329.3(BMPR1A):c.730C>G (p.Arg244Gly)

Gene: BMPR1A (bone morphogenetic protein receptor type 1A; plus strand). Cytogenetic location: 10q23.2.
Variant type: single nucleotide variant.
Coding change: c.730C>G on transcript NM_004329.3 (MANE Select); coding-DNA position 730, C replaced by G.
Protein change: p.Arg244Gly; replaces arginine 244 with glycine.
Molecular consequence: missense variant.
Genome position (GRCh38, 1-based): chr10:86,917,188, C>G. VCF-style: chr10-86917188-C-G. GRCh37 (hg19) VCF-style: chr10-88676945-C-G.
Other names: short protein forms R244G.
Identifiers: ClinVar variation 648038 (VCV000648038.18), dbSNP rs759363072, ClinGen allele CA5585595.